The following is an entry in ClinVar:

NM_000520.6(HEXA):c.38C>T (p.Ala13Val)

Gene: HEXA (hexosaminidase subunit alpha; minus strand). Cytogenetic location: 15q23.
Variant type: single nucleotide variant.
Coding change: c.38C>T on transcript NM_000520.6 (MANE Select); coding-DNA position 38, C replaced by T.
Protein change: p.Ala13Val; replaces alanine 13 with valine.
Molecular consequence: missense variant. On other transcripts: non-coding transcript variant (1).
Genome position (GRCh38, 1-based): chr15:72,375,935, G>A on the plus strand (C>T on the coding strand, the complement: HEXA is on the minus strand). VCF-style: chr15-72375935-G-A. GRCh37 (hg19) VCF-style: chr15-72668276-G-A.
Other names: c.38C>T, p.Ala13Val (NM_001318825.2); short protein forms A13V.
Identifiers: ClinVar variation 288069 (VCV000288069.7), dbSNP rs145666272, ClinGen allele CA7645126.

ClinVar aggregate classification (germline): Uncertain significance. Review status: criteria provided, multiple submitters, no conflicts (2 of 4 stars). 3 submissions from 3 submitters: Uncertain significance (2). 1 of the submissions does not count toward it. Last evaluated 2022-04-30.

Conditions:
Tay-Sachs disease (TSD). Also called: HEXA DEFICIENCY; HEXA Disorders; GM2 gangliosidosis, type 1; Hexosaminidase alpha-subunit deficiency (variant B); Sphingolipidosis, Tay-Sachs; Hexosaminidase A Deficiency. Identifiers: Orphanet 845, MedGen C0039373, MONDO:0010100, OMIM 272800.

Allele frequency attached by ClinVar (database versions not stated): gnomAD exomes 0.00001; ExAC 0.00002; TOPMed 0.00007; ESP Exome Variant Server 0.00008; gnomAD 0.00008 and 0.00009; 1000 Genomes Project 30x 0.00016; 1000 Genomes Project 0.00020.
gnomAD v4.1: 19 of 1,614,124 alleles (0.0012%); highest among the groups gnomAD compares: African/African-American, 0.023%; no homozygotes.

Submissions (3):

Labcorp Genetics (formerly Invitae), Labcorp
Classification: Uncertain significance for Tay-Sachs disease. Last evaluated: 2022-04-30. Review status: criteria provided, single submitter. Criteria: Invitae Variant Classification Sherloc (09022015). Collection method: clinical testing. Allele origin: germline.
Comment: This sequence change replaces alanine, which is neutral and non-polar, with valine, which is neutral and non-polar, at codon 13 of the HEXA protein (p.Ala13Val). This variant is present in population databases (rs145666272, gnomAD 0.03%). This variant has not been reported in the literature in individuals affected with HEXA-related conditions. ClinVar contains an entry for this variant (Variation ID: 288069). Algorithms developed to predict the effect of missense changes on protein structure and function are either unavailable or do not agree on the potential impact of this missense change (SIFT: "Tolerated"; PolyPhen-2: "Not Available"; Align-GVGD: "Class C0"). In summary, the available evidence is currently insufficient to determine the role of this variant in disease. Therefore, it has been classified as a Variant of Uncertain Significance.

Eurofins Ntd Llc (ga)
Classification: Uncertain significance. Last evaluated: 2016-05-27. Review status: criteria provided, single submitter. Criteria: EGL Classification Definitions 2015. Collection method: clinical testing. Allele origin: germline. Observed: 1 variant allele, 1 heterozygote.

Counsyl
Classification: Uncertain significance for Tay-Sachs disease. Last evaluated: 2017-11-16. Review status: no assertion criteria provided. Collection method: clinical testing. Allele origin: unknown. Not counted in ClinVar's aggregate classification.